The following is an entry in ClinVar:

NM_000066.4(C8B):c.1466T>G (p.Met489Arg)

Gene: C8B (complement C8 beta chain; minus strand). Cytogenetic location: 1p32.2.
Variant type: single nucleotide variant.
Coding change: c.1466T>G on transcript NM_000066.4 (MANE Select); coding-DNA position 1466, T replaced by G.
Protein change: p.Met489Arg; replaces methionine 489 with arginine.
Molecular consequence: missense variant.
Genome position (GRCh38, 1-based): chr1:56,933,421, A>C on the plus strand (T>G on the coding strand, the complement: C8B is on the minus strand). VCF-style: chr1-56933421-A-C. GRCh37 (hg19) VCF-style: chr1-57399094-A-C.
Other names: c.1310T>G, p.Met437Arg (NM_001278543.2); c.1280T>G, p.Met427Arg (NM_001278544.2); short protein forms M427R, M437R, M489R.
Identifiers: ClinVar variation 1385064 (VCV001385064.6), dbSNP rs2101357545, ClinGen allele CA340520398.
Genomic context (GRCh38, chr1:56,933,421, plus strand): 5'-TGGCAGGGAGCACAGTGGCAGGAACTAACTTCCTTCTGGAACTCCTCCAGTGCCTGCTTC[A>C]TGTTCTGCCTCACTGTGCTGGAATAGGCAAAATCTGTGGCTGTCACTAGTTCATACAGAG-3'
Protein context (NP_000057.3, residues 479-499): FAYSSTVRQN[Met489Arg]KQALEEFQKE

ClinVar aggregate classification (germline): Uncertain significance (1 of 4 stars; one submission).

Allele frequency attached by ClinVar (database versions not stated): gnomAD exomes below 0.00001.
gnomAD v4.1: 1 of 1,613,688 alleles (0.000062%); highest among the groups gnomAD compares: Non-Finnish European, 0.000085%; no homozygotes.

Submission:

Labcorp Genetics (formerly Invitae), Labcorp
Classification: Uncertain significance. Last evaluated: 2021-11-22. Review status: criteria provided, single submitter. Criteria: Invitae Variant Classification Sherloc (09022015). Collection method: clinical testing. Allele origin: germline.
Comment: In summary, the available evidence is currently insufficient to determine the role of this variant in disease. Therefore, it has been classified as a Variant of Uncertain Significance. Algorithms developed to predict the effect of missense changes on protein structure and function are either unavailable or do not agree on the potential impact of this missense change (SIFT: "Deleterious"; PolyPhen-2: "Possibly Damaging"; Align-GVGD: "Class C0"). This variant has not been reported in the literature in individuals affected with C8B-related conditions. This variant is not present in population databases (gnomAD no frequency). This sequence change replaces methionine, which is neutral and non-polar, with arginine, which is basic and polar, at codon 489 of the C8B protein (p.Met489Arg).